The following is an entry in ClinVar:

ClinVar aggregate classification (germline): Uncertain significance (1 of 4 stars; one submission).

Conditions:
PHGDH deficiency. Identifiers: Orphanet 79351, MedGen C1866174, MONDO:0011152, OMIM 601815.

Allele frequency attached by ClinVar (database versions not stated): ExAC 0.00001; TOPMed 0.00003; ESP Exome Variant Server 0.00008.

Submission:

Labcorp Genetics (formerly Invitae), Labcorp
Classification: Uncertain significance for PHGDH deficiency. Last evaluated: 2022-10-12. Review status: criteria provided, single submitter. Criteria: Invitae Variant Classification Sherloc (09022015). Collection method: clinical testing. Allele origin: germline.
Comment: This sequence change replaces proline, which is neutral and non-polar, with threonine, which is neutral and polar, at codon 331 of the PHGDH protein (p.Pro331Thr). This variant is present in population databases (rs370562656, gnomAD 0.01%). This variant has not been reported in the literature in individuals affected with PHGDH-related conditions. Advanced modeling of protein sequence and biophysical properties (such as structural, functional, and spatial information, amino acid conservation, physicochemical variation, residue mobility, and thermodynamic stability) has been performed at Invitae for this missense variant, however the output from this modeling did not meet the statistical confidence thresholds required to predict the impact of this variant on PHGDH protein function. In summary, the available evidence is currently insufficient to determine the role of this variant in disease. Therefore, it has been classified as a Variant of Uncertain Significance.

NM_006623.4(PHGDH):c.991C>A (p.Pro331Thr)

Gene: PHGDH (phosphoglycerate dehydrogenase; plus strand). Cytogenetic location: 1p12.
Variant type: single nucleotide variant.
Coding change: c.991C>A on transcript NM_006623.4 (MANE Select); coding-DNA position 991, C replaced by A.
Protein change: p.Pro331Thr; replaces proline 331 with threonine.
Molecular consequence: missense variant.
Genome position (GRCh38, 1-based): chr1:119,740,431, C>A. VCF-style: chr1-119740431-C-A. GRCh37 (hg19) VCF-style: chr1-120283054-C-A.
Other names: short protein forms P331T.
Identifiers: ClinVar variation 2184161 (VCV002184161.1), dbSNP rs370562656, ClinGen allele CA1037331.